The following is an entry in ClinVar:

ClinVar aggregate classification (germline): Uncertain significance. Review status: criteria provided, multiple submitters, no conflicts (2 of 4 stars). 5 submissions from 4 submitters: Uncertain significance (5). Last evaluated 2026-03-16.

Conditions:
Inborn genetic diseases. Identifiers: MedGen C0950123, MeSH D030342.
Spinocerebellar ataxia, autosomal recessive, with axonal neuropathy 2 (SCAN2). Also called: Ataxia with Oculomotor Apraxia; Ataxia-ocular apraxia-2; Ataxia with Oculomotor Apraxia Type 2; ATAXIA-OCULOMOTOR APRAXIA 2. Identifiers: Orphanet 64753, MedGen C1853761, MONDO:0018996, OMIM 606002.
Amyotrophic lateral sclerosis type 4 (ALS4). Also called: NEURONOPATHY, DISTAL HEREDITARY MOTOR, WITH PYRAMIDAL FEATURES; AMYOTROPHIC LATERAL SCLEROSIS 4, JUVENILE. Identifiers: Orphanet 357043, MedGen C1865409, MONDO:0011223, OMIM 602433.

Allele frequency attached by ClinVar (database versions not stated): gnomAD exomes 0.00002; ExAC 0.00004; TOPMed 0.00005; gnomAD 0.00006; ESP Exome Variant Server 0.00008.
gnomAD v4.1: 59 of 1,613,354 alleles (0.0037%); highest among the groups gnomAD compares: African/African-American, 0.0067%; no homozygotes.

Submissions (5):

Women's Health and Genetics/Laboratory Corporation of America, LabCorp
Classification: Uncertain significance. Last evaluated: 2026-03-16. Review status: criteria provided, single submitter. Criteria: LabCorp Variant Classification Summary - May 2015. Collection method: clinical testing. Allele origin: germline.
Comment: Variant summary: SETX c.5537G>A (p.Arg1846His) results in a non-conservative amino acid change in the encoded protein sequence. Algorithms developed to predict the effect of missense changes on protein structure and function all suggest that this variant is likely to be disruptive. The variant allele was found at a frequency of 2.4e-05 in 251270 control chromosomes. The available data on variant occurrences in the general population are insufficient to allow any conclusion about variant significance. c.5537G>A has been observed in individual(s) affected with Amyotrophic Lateral Sclerosis without strong evidence for causality (e.g. Couthouis_2014). These report(s) do not provide unequivocal conclusions about association of the variant with Spinocerebellar ataxia, autosomal recessive, with axonal neuropathy 2. To our knowledge, no experimental evidence demonstrating an impact on protein function has been reported. The following publication has been ascertained in the context of this evaluation (PMID: 25299611). ClinVar contains an entry for this variant (Variation ID: 448335). Based on the evidence outlined above, the variant was classified as uncertain significance.

Athena Diagnostics
Classification: Uncertain significance. Last evaluated: 2023-11-01. Review status: criteria provided, single submitter. Criteria: Athena Diagnostics Criteria. Collection method: clinical testing. Allele origin: unknown.
Comment: Available data are insufficient to determine the clinical significance of the variant at this time. The frequency of this variant in the general population is uninformative in assessment of its pathogenicity. Computational tools predict that this variant is damaging.

Genome-Nilou Lab
Classification: Uncertain significance for Spinocerebellar ataxia, autosomal recessive, with axonal neuropathy 2. Last evaluated: 2023-02-08. Review status: criteria provided, single submitter. Criteria: ACMG Guidelines, 2015. Collection method: clinical testing. Allele origin: germline.

Genome-Nilou Lab
Classification: Uncertain significance for Amyotrophic lateral sclerosis type 4. Last evaluated: 2023-02-08. Review status: criteria provided, single submitter. Criteria: ACMG Guidelines, 2015. Collection method: clinical testing. Allele origin: germline.

Ambry Genetics
Classification: Uncertain significance for Inborn genetic diseases. Last evaluated: 2020-12-02. Review status: criteria provided, single submitter. Criteria: Ambry Variant Classification Scheme 2023. Collection method: clinical testing. Allele origin: germline.
Comment: The p.R1846H variant (also known as c.5537G>A), located in coding exon 10 of the SETX gene, results from a G to A substitution at nucleotide position 5537. The arginine at codon 1846 is replaced by histidine, an amino acid with highly similar properties. This amino acid position is highly conserved in available vertebrate species. In addition, the in silico prediction for this alteration is inconclusive. Based on the supporting evidence, this variant is unlikely to be causative of autosomal dominant juvenile amyotrophic lateral sclerosis 4; however, its contribution to the development of autosomal recessive spinocerebellar ataxia with axonal neuropathy 2 is uncertain. Since supporting evidence is limited at this time, the clinical significance of this alteration remains unclear.

Literature cited by the submitters: PubMed 25299611 (cited by Women's Health and Genetics/Laboratory Corporation of America, LabCorp and Athena Diagnostics).

NM_015046.7(SETX):c.5537G>A (p.Arg1846His)

Gene: SETX (senataxin; minus strand). Cytogenetic location: 9q34.13.
Variant type: single nucleotide variant.
Coding change: c.5537G>A on transcript NM_015046.7 (MANE Select); coding-DNA position 5537, G replaced by A.
Protein change: p.Arg1846His; replaces arginine 1846 with histidine.
Molecular consequence: missense variant.
Genome position (GRCh38, 1-based): chr9:132,300,641, C>T on the plus strand (G>A on the coding strand, the complement: SETX is on the minus strand). VCF-style: chr9-132300641-C-T. GRCh37 (hg19) VCF-style: chr9-135176028-C-T.
Other names: c.5537G>A, p.Arg1846His (NM_001351527.2, NM_001351528.2); short protein forms R1846H.
Identifiers: ClinVar variation 448335 (VCV000448335.7), dbSNP rs373571937, ClinGen allele CA5296962.
Genomic context (GRCh38, chr9:132,300,641, plus strand): 5'-GATGAGACTGTATCTGACATTTCCTGTCAATGCCTCATTATTTACTTACTGACTGACGTG[C>T]GGCGAAATTTATGAACATAACCAGAATGATATTCGTGGAGATCTTGTATGTCATTTCTCT-3'
Protein context (NP_055861.3, residues 1836-1856): YHSGYVHKFR[Arg1846His]TSVMRNGKTE